The following is an entry in ClinVar:

NM_001283009.2(RTEL1):c.2620G>A (p.Gly874Arg)

Genes: RTEL1 (regulator of telomere elongation helicase 1; plus strand), RTEL1-TNFRSF6B (RTEL1-TNFRSF6B readthrough (NMD candidate); plus strand). Cytogenetic location: 20q13.33.
Variant type: single nucleotide variant.
Coding change: c.2620G>A on transcript NM_001283009.2 (MANE Select); coding-DNA position 2620, G replaced by A.
Protein change: p.Gly874Arg; replaces glycine 874 with arginine.
Molecular consequence: missense variant. On other transcripts: non-coding transcript variant (1).
Genome position (GRCh38, 1-based): chr20:63,691,805, G>A. VCF-style: chr20-63691805-G-A. GRCh37 (hg19) VCF-style: chr20-62323158-G-A.
Other names: c.1951G>A, p.Gly651Arg (NM_001283010.1); c.2620G>A, p.Gly874Arg (NM_016434.4); c.2692G>A, p.Gly898Arg (NM_032957.5); short protein forms G651R, G874R, G898R.
Identifiers: ClinVar variation 1061377 (VCV001061377.6), dbSNP rs781632993, ClinGen allele CA9965434.
Genomic context (GRCh38, chr20:63,691,805, plus strand): 5'-CACAGCTGCTCCACCCTGTCCCTCCTGTCTGAGAAGAGGCCGGCAGAAGAACCGCGAGGA[G>A]GGAGGAAGAAGATCCGGCTGGTCAGCCACCCGGTGCGTGAGCTGTCCCTGCACCTGTGCC-3'
Protein context (NP_001269938.1, residues 864-884): EKRPAEEPRG[Gly874Arg]RKKIRLVSHP

ClinVar aggregate classification (germline): Uncertain significance (1 of 4 stars; one submission).

Conditions:
Dyskeratosis congenita, autosomal recessive 5 (DKCB5). Identifiers: MedGen C3554656, MONDO:0014076, OMIM 615190.
Pulmonary fibrosis and/or bone marrow failure, Telomere-related, 3. Also called: PULMONARY FIBROSIS AND/OR BONE MARROW FAILURE SYNDROME, TELOMERE-RELATED, 3. Identifiers: Orphanet 2032, MedGen C4225346, MONDO:0014613, OMIM 616373.

Allele frequency attached by ClinVar (database versions not stated): gnomAD exomes below 0.00001; gnomAD 0.00001; ExAC 0.00002.
gnomAD v4.1: 6 of 1,612,190 alleles (0.00037%); highest among the groups gnomAD compares: Non-Finnish European, 0.00051%; no homozygotes.

Submission:

Labcorp Genetics (formerly Invitae), Labcorp
Classification: Uncertain significance for Dyskeratosis congenita, autosomal recessive 5; Pulmonary fibrosis and/or bone marrow failure, Telomere-related, 3. Last evaluated: 2022-06-07. Review status: criteria provided, single submitter. Criteria: Invitae Variant Classification Sherloc (09022015). Collection method: clinical testing. Allele origin: germline.
Comment: This sequence change replaces glycine, which is neutral and non-polar, with arginine, which is basic and polar, at codon 874 of the RTEL1 protein (p.Gly874Arg). This variant is present in population databases (rs781632993, gnomAD 0.0009%). This variant has not been reported in the literature in individuals affected with RTEL1-related conditions. ClinVar contains an entry for this variant (Variation ID: 1061377). Algorithms developed to predict the effect of missense changes on protein structure and function output the following: SIFT: "Tolerated"; PolyPhen-2: "Benign"; Align-GVGD: "Class C0". The arginine amino acid residue is found in multiple mammalian species, which suggests that this missense change does not adversely affect protein function. In summary, the available evidence is currently insufficient to determine the role of this variant in disease. Therefore, it has been classified as a Variant of Uncertain Significance.